The following is an entry in ClinVar:

NM_000179.3(MSH6):c.2313G>T (p.Lys771Asn)

Gene: MSH6 (mutS homolog 6; plus strand). Cytogenetic location: 2p16.3.
Variant type: single nucleotide variant.
Coding change: c.2313G>T on transcript NM_000179.3 (MANE Select); coding-DNA position 2313, G replaced by T.
Protein change: p.Lys771Asn; replaces lysine 771 with asparagine.
Molecular consequence: missense variant.
Genome position (GRCh38, 1-based): chr2:47,800,296, G>T. VCF-style: chr2-47800296-G-T. GRCh37 (hg19) VCF-style: chr2-48027435-G-T.
Other names: c.1923G>T, p.Lys641Asn (NM_001281492.2); c.1407G>T, p.Lys469Asn (NM_001281493.2, NM_001281494.2); short protein forms K641N, K771N, K469N.
Identifiers: ClinVar variation 665100 (VCV000665100.10), dbSNP rs1572726671, ClinGen allele CA346753156.
Genomic context (GRCh38, chr2:47,800,296, plus strand): 5'-TGGTTCTACTGAAGGAACCCTACTAGAGAGGGTTGATACTTGCCATACTCCTTTTGGTAA[G>T]CGGCTCCTAAAGCAATGGCTTTGTGCCCCACTCTGTAACCATTATGCTATTAATGATCGT-3'
Protein context (NP_000170.1, residues 761-781): RVDTCHTPFG[Lys771Asn]RLLKQWLCAP

ClinVar aggregate classification (germline): Uncertain significance. Review status: criteria provided, multiple submitters, no conflicts (2 of 4 stars). 2 submissions from 2 submitters: Uncertain significance (2). Last evaluated 2026-01-13.

Conditions:
Hereditary nonpolyposis colorectal neoplasms. Identifiers: MedGen C0009405, MeSH D003123.
Hereditary cancer-predisposing syndrome. Also called: Neoplastic Syndromes, Hereditary; Hereditary neoplastic syndrome; Tumor predisposition; Hereditary Cancer Syndrome. Identifiers: Orphanet 140162, MedGen C0027672, MeSH D009386, MONDO:0015356.

Allele frequency attached by ClinVar (database versions not stated): gnomAD exomes below 0.00001.
gnomAD v4.1: 3 of 1,614,128 alleles (0.00019%); highest among the groups gnomAD compares: Non-Finnish European, 0.00025%; no homozygotes.

Submissions (2):

Ambry Genetics
Classification: Uncertain significance for Hereditary cancer-predisposing syndrome. Last evaluated: 2026-01-13. Review status: criteria provided, single submitter. Criteria: Ambry Variant Classification Scheme 2023. Collection method: clinical testing. Allele origin: germline.
Comment: The p.K771N variant (also known as c.2313G>T), located in coding exon 4 of the MSH6 gene, results from a G to T substitution at nucleotide position 2313. The lysine at codon 771 is replaced by asparagine, an amino acid with similar properties. This amino acid position is conserved. In addition, the in silico prediction for this alteration is inconclusive. Based on the available evidence, the clinical significance of this variant remains unclear.

Labcorp Genetics (formerly Invitae), Labcorp
Classification: Uncertain significance for Hereditary nonpolyposis colorectal neoplasms. Last evaluated: 2018-08-02. Review status: criteria provided, single submitter. Criteria: Invitae Variant Classification Sherloc (09022015). Collection method: clinical testing. Allele origin: germline.
Comment: In summary, the available evidence is currently insufficient to determine the role of this variant in disease. Therefore, it has been classified as a Variant of Uncertain Significance. This variant has not been reported in the literature in individuals with MSH6-related disease. This sequence change replaces lysine with asparagine at codon 771 of the MSH6 protein (p.Lys771Asn). The lysine residue is highly conserved and there is a moderate physicochemical difference between lysine and asparagine. This variant is not present in population databases (ExAC no frequency). Algorithms developed to predict the effect of missense changes on protein structure and function (SIFT, PolyPhen-2, Align-GVGD) all suggest that this variant is likely to be disruptive, but these predictions have not been confirmed by published functional studies and their clinical significance is uncertain.